The following is an entry in ClinVar:

ClinVar aggregate classification (germline): Pathogenic/Likely pathogenic. Review status: criteria provided, multiple submitters, no conflicts (2 of 4 stars). 3 submissions from 3 submitters: Pathogenic (2); Likely pathogenic (1). Last evaluated 2025-03-06.

Conditions:
Familial thoracic aortic aneurysm and aortic dissection (TAAD). Also called: Thoracic aortic aneurysms and dissections. Identifiers: Orphanet 91387, MedGen C4707243, MONDO:0019625.
Rienhoff syndrome. Also called: LOEYS-DIETZ SYNDROME 5. Identifiers: MedGen C3810012, MONDO:0014262, OMIM 615582.
Arrhythmogenic right ventricular dysplasia 1. Identifiers: Orphanet 3403, MedGen C1862511, MONDO:0007152, OMIM 107970.

Submissions (3):

Ambry Genetics
Classification: Pathogenic for Familial thoracic aortic aneurysm and aortic dissection. Last evaluated: 2025-03-06. Review status: criteria provided, single submitter. Criteria: Ambry Variant Classification Scheme 2023. Collection method: clinical testing. Allele origin: germline.
Comment: The c.1102_1105delCTGA (p.L368Tfs*18) alteration, located in exon 7 (coding exon 7) of the TGFB3 gene, consists of a deletion of 4 nucleotides from position 1102 to 1105, causing a translational frameshift with a predicted alternate stop codon after 18 amino acids. This alteration occurs at the 3' terminus of theTGFB3 gene, is not expected to trigger nonsense-mediated mRNA decay, and only impacts the last 10% of the protein. However, premature stop codons are typically deleterious in nature and the impacted region is critical for protein function (Ambry internal data). This variant was not reported in population-based cohorts in the Genome Aggregation Database (gnomAD). Based on the available evidence, this alteration is classified as pathogenic.

Labcorp Genetics (formerly Invitae), Labcorp
Classification: Pathogenic for Rienhoff syndrome. Last evaluated: 2023-05-05. Review status: criteria provided, single submitter. Criteria: Invitae Variant Classification Sherloc (09022015). Collection method: clinical testing. Allele origin: germline.
Comment: This variant has not been reported in the literature in individuals affected with TGFB3-related conditions. For these reasons, this variant has been classified as Pathogenic. This variant disrupts a region of the TGFB3 protein in which other variant(s) (p.Lys407*) have been determined to be pathogenic (Invitae). This suggests that this is a clinically significant region of the protein, and that variants that disrupt it are likely to be disease-causing. ClinVar contains an entry for this variant (Variation ID: 520206). This variant is not present in population databases (gnomAD no frequency). This sequence change creates a premature translational stop signal (p.Leu368Thrfs*18) in the TGFB3 gene. While this is not anticipated to result in nonsense mediated decay, it is expected to disrupt the last 45 amino acid(s) of the TGFB3 protein.

Fulgent Genetics
Classification: Likely pathogenic for Arrhythmogenic right ventricular dysplasia 1; Rienhoff syndrome. Last evaluated: 2021-09-26. Review status: criteria provided, single submitter. Criteria: ACMG Guidelines, 2015. Collection method: clinical testing. Allele origin: unknown.

NM_003239.5(TGFB3):c.1102_1105del (p.Leu368fs)

Gene: TGFB3 (transforming growth factor beta 3; minus strand). Cytogenetic location: 14q24.3.
Variant type: Deletion.
Coding change: c.1102_1105del on transcript NM_003239.5 (MANE Select); coding-DNA positions 1102 to 1105, 4 bases deleted (CTGA; older notation c.1102_1105delCTGA).
Protein change: p.Leu368fs; shifts the reading frame from leucine 368.
Molecular consequence: frameshift variant.
Genome position (GRCh38, 1-based): chr14:75,959,321-75,959,324, TCAG deleted on the plus strand (CTGA on the coding strand, the reverse complement: TGFB3 is on the minus strand). VCF-style (leftmost placement, unchanged base first): chr14-75959320-TTCAG-T. GRCh37 (hg19) VCF-style: chr14-76425663-TTCAG-T.
Other names: c.1102_1105del, p.Leu368fs (NM_001329939.2); short protein forms L368fs.
Identifiers: ClinVar variation 520206 (VCV000520206.13), dbSNP rs1555360047, ClinGen allele CA658798230.